The following is an entry in ClinVar:

NM_148919.4(PSMB8):c.430G>A (p.Glu144Lys)

Gene: PSMB8 (proteasome 20S subunit beta 8; minus strand). Cytogenetic location: 6p21.32.
Variant type: single nucleotide variant.
Coding change: c.430G>A on transcript NM_148919.4 (MANE Select); coding-DNA position 430, G replaced by A.
Protein change: p.Glu144Lys; replaces glutamic acid 144 with lysine.
Molecular consequence: missense variant.
Genome position (GRCh38, 1-based): chr6:32,842,241, C>T on the plus strand (G>A on the coding strand, the complement: PSMB8 is on the minus strand). VCF-style: chr6-32842241-C-T. GRCh37 (hg19) VCF-style: chr6-32810018-C-T.
Other names: c.418G>A, p.Glu140Lys (NM_004159.5); short protein forms E140K, E144K.
Identifiers: ClinVar variation 1377170 (VCV001377170.6), dbSNP rs1769955269, ClinGen allele CA363588997.

ClinVar aggregate classification (germline): Uncertain significance (1 of 4 stars; one submission).

Conditions:
Proteosome-associated autoinflammatory syndrome. Also called: Proteasome-associated autoinflammatory syndrome. Identifiers: Orphanet 324977, MedGen C1850568, MONDO:0009726.

Allele frequency attached by ClinVar (database versions not stated): TOPMed below 0.00001.

Submission:

Labcorp Genetics (formerly Invitae), Labcorp
Classification: Uncertain significance for Proteosome-associated autoinflammatory syndrome. Last evaluated: 2021-11-16. Review status: criteria provided, single submitter. Criteria: Invitae Variant Classification Sherloc (09022015). Collection method: clinical testing. Allele origin: germline.
Comment: In summary, the available evidence is currently insufficient to determine the role of this variant in disease. Therefore, it has been classified as a Variant of Uncertain Significance. Algorithms developed to predict the effect of missense changes on protein structure and function (SIFT, PolyPhen-2, Align-GVGD) all suggest that this variant is likely to be tolerated. This variant has not been reported in the literature in individuals affected with PSMB8-related conditions. This variant is not present in population databases (gnomAD no frequency). This sequence change replaces glutamic acid, which is acidic and polar, with lysine, which is basic and polar, at codon 144 of the PSMB8 protein (p.Glu144Lys).